The following is an entry in ClinVar:

ClinVar aggregate classification (germline): Uncertain significance (1 of 4 stars; one submission).

Conditions:
Arrhythmogenic right ventricular dysplasia 9 (ARVD9). Also called: Arrhythmogenic Right Ventricular Dysplasia/Cardiomyopathy 9; ARRHYTHMOGENIC RIGHT VENTRICULAR DYSPLASIA, FAMILIAL, 9. Identifiers: MedGen C1836906, MONDO:0012180, OMIM 609040.

Submission:

Labcorp Genetics (formerly Invitae), Labcorp
Classification: Uncertain significance for Arrhythmogenic right ventricular dysplasia 9. Last evaluated: 2023-05-05. Review status: criteria provided, single submitter. Criteria: Invitae Variant Classification Sherloc (09022015). Collection method: clinical testing. Allele origin: germline.
Comment: In summary, the available evidence is currently insufficient to determine the role of this variant in disease. Therefore, it has been classified as a Variant of Uncertain Significance. This sequence change replaces valine, which is neutral and non-polar, with aspartic acid, which is acidic and polar, at codon 740 of the PKP2 protein (p.Val740Asp). This variant is not present in population databases (gnomAD no frequency). This variant has not been reported in the literature in individuals affected with PKP2-related conditions. An algorithm developed to predict the effect of missense changes on protein structure and function (PolyPhen-2) suggests that this variant is likely to be disruptive.

NM_001005242.3(PKP2):c.2087T>A (p.Val696Asp)

Gene: PKP2 (plakophilin 2; minus strand). Cytogenetic location: 12p11.21.
Variant type: single nucleotide variant.
Coding change: c.2087T>A on transcript NM_001005242.3 (MANE Select); coding-DNA position 2087, T replaced by A.
Protein change: p.Val696Asp; replaces valine 696 with aspartic acid.
Molecular consequence: missense variant.
Genome position (GRCh38, 1-based): chr12:32,802,483, A>T on the plus strand (T>A on the coding strand, the complement: PKP2 is on the minus strand). VCF-style: chr12-32802483-A-T. GRCh37 (hg19) VCF-style: chr12-32955417-A-T.
Other names: c.2087T>A, p.Val696Asp (NM_001407155.1); c.1922T>A, p.Val641Asp (NM_001407156.1); c.1760T>A, p.Val587Asp (NM_001407158.1, NM_001407159.1, NM_001407160.1); c.2219T>A, p.Val740Asp (NM_004572.4); short protein forms V641D, V696D, V587D, V740D.
Identifiers: ClinVar variation 2862264 (VCV002862264.3), dbSNP rs2541200697, ClinGen allele CA384359755.
Genomic context (GRCh38, chr12:32,802,483, plus strand): 5'-AGATTCCGGGACAGATTCCTCAGCAGCGAGATGGCTGTCTTTTTCACACTTGGGTCACCA[A>T]CATGCAGCATCTTTCGGGTGTGCTGCAGGCCACTTTCCTTCTGGACAACTGTCTGAGCCA-3'
Protein context (NP_001005242.2, residues 686-706): GLQHTRKMLH[Val696Asp]GDPSVKKTAI